The following is an entry in ClinVar:

ClinVar aggregate classification (germline): Uncertain significance. Review status: criteria provided, multiple submitters, no conflicts (2 of 4 stars). 9 submissions from 6 submitters: Uncertain significance (9). Last evaluated 2025-07-31.

Conditions:
Congenital myopathy 18. Also called: Myopathy, congenital, due to dihydropyridine receptor defect; DIHYDROPYRIDINE RECEPTOR CONGENITAL MYOPATHY; DHPR CONGENITAL MYOPATHY. Identifiers: MedGen C5830283, MONDO:0859514, OMIM 620246.
Malignant hyperthermia, susceptibility to, 5 (MHS5). Also called: CACNA1S-Related Malignant Hyperthermia Susceptibility. Identifiers: Orphanet 423, MedGen C1866077, MONDO:0011163, OMIM 601887.
Thyrotoxic periodic paralysis, susceptibility to, 1 (TTPP1). Identifiers: Orphanet 79102, MedGen C2749982, MONDO:0008570, OMIM 188580.
Hypokalemic periodic paralysis, type 1. Also called: Hypokalemic Periodic Paralysis Type 1 (AD); HypoPP. Identifiers: Orphanet 681, MedGen C3714580, MONDO:0042979, OMIM 170400.

Allele frequency attached by ClinVar (database versions not stated): TOPMed 0.00001; gnomAD 0.00002.
gnomAD v4.1: 10 of 1,614,114 alleles (0.00062%); highest among the groups gnomAD compares: Non-Finnish European, 0.00076%; no homozygotes.

Submissions (9):

GeneDx
Classification: Uncertain significance. Last evaluated: 2025-07-31. Review status: criteria provided, single submitter. Criteria: GeneDx Variant Classification Process June 2021. Collection method: clinical testing. Allele origin: germline. Affected: yes.
Comment: Not observed at significant frequency in large population cohorts (gnomAD); In silico analysis supports that this missense variant has a deleterious effect on protein structure/function; Has not been previously published as pathogenic or benign to our knowledge

All of Us Research Program, National Institutes of Health
Classification: Uncertain significance for Malignant hyperthermia, susceptibility to, 5. Last evaluated: 2024-06-17. Review status: criteria provided, single submitter. Criteria: ACMG Guidelines, 2015. Collection method: clinical testing. Allele origin: germline. Inheritance: Autosomal dominant inheritance. Observed: 2 variant alleles, 2 heterozygotes.
Comment: This missense variant replaces threonine with isoleucine at codon 255 of the CACNA1S protein. Computational prediction suggests that this variant may not impact protein structure and function (internally defined REVEL score threshold <= 0.5, PMID: 27666373). To our knowledge, functional studies have not been reported for this variant. This variant has not been reported in individuals affected with CACNA1S-related disorders in the literature. This variant has not been identified in the general population by the Genome Aggregation Database (gnomAD). The available evidence is insufficient to determine the role of this variant in disease conclusively. Therefore, this variant is classified as a Variant of Uncertain Significance.

This study involves interpretation of variants in research participants for the purpose of population health screening. Participant phenotype was not available at the time of variant classification. Additional details can be found in publication PMID: 35346344, PMCID: PMC8962531

Color Diagnostics, LLC DBA Color Health
Classification: Uncertain significance for Malignant hyperthermia, susceptibility to, 5. Last evaluated: 2024-06-04. Review status: criteria provided, single submitter. Criteria: ACMG Guidelines, 2015. Collection method: clinical testing. Allele origin: germline.
Comment: This missense variant replaces threonine with isoleucine at codon 255 of the CACNA1S protein. Computational prediction suggests that this variant may not impact protein structure and function. To our knowledge, functional studies have not been reported for this variant. This variant has not been reported in individuals affected with CACNA1S-related disorders in the literature. This variant has not been identified in the general population by the Genome Aggregation Database (gnomAD). The available evidence is insufficient to determine the role of this variant in disease conclusively. Therefore, this variant is classified as a Variant of Uncertain Significance.

Genome-Nilou Lab
Classification: Uncertain significance for Malignant hyperthermia, susceptibility to, 5. Last evaluated: 2023-04-11. Review status: criteria provided, single submitter. Criteria: ACMG Guidelines, 2015. Collection method: clinical testing. Allele origin: germline. Affected: no.

Genome-Nilou Lab
Classification: Uncertain significance for Thyrotoxic periodic paralysis, susceptibility to, 1. Last evaluated: 2023-04-11. Review status: criteria provided, single submitter. Criteria: ACMG Guidelines, 2015. Collection method: clinical testing. Allele origin: germline. Affected: no.

Genome-Nilou Lab
Classification: Uncertain significance for Congenital myopathy 18. Last evaluated: 2023-04-11. Review status: criteria provided, single submitter. Criteria: ACMG Guidelines, 2015. Collection method: clinical testing. Allele origin: germline. Affected: no.

Genome-Nilou Lab
Classification: Uncertain significance for Hypokalemic periodic paralysis, type 1. Last evaluated: 2023-04-11. Review status: criteria provided, single submitter. Criteria: ACMG Guidelines, 2015. Collection method: clinical testing. Allele origin: germline. Affected: no.

Labcorp Genetics (formerly Invitae), Labcorp
Classification: Uncertain significance for Hypokalemic periodic paralysis, type 1; Malignant hyperthermia, susceptibility to, 5. Last evaluated: 2022-08-21. Review status: criteria provided, single submitter. Criteria: Invitae Variant Classification Sherloc (09022015). Collection method: clinical testing. Allele origin: germline.
Comment: This sequence change replaces threonine, which is neutral and polar, with isoleucine, which is neutral and non-polar, at codon 255 of the CACNA1S protein (p.Thr255Ile). This variant is not present in population databases (gnomAD no frequency). This variant has not been reported in the literature in individuals affected with CACNA1S-related conditions. ClinVar contains an entry for this variant (Variation ID: 872559). Advanced modeling of protein sequence and biophysical properties (such as structural, functional, and spatial information, amino acid conservation, physicochemical variation, residue mobility, and thermodynamic stability) performed at Invitae indicates that this missense variant is not expected to disrupt CACNA1S protein function. In summary, the available evidence is currently insufficient to determine the role of this variant in disease. Therefore, it has been classified as a Variant of Uncertain Significance.

CeGaT Center for Human Genetics Tuebingen
Classification: Uncertain significance. Last evaluated: 2020-04-01. Review status: criteria provided, single submitter. Criteria: CeGaT Center For Human Genetics Tuebingen Variant Classification Criteria Version 2. Collection method: clinical testing. Allele origin: germline. Affected: yes. Observed: 1 variant allele.

NM_000069.3(CACNA1S):c.764C>T (p.Thr255Ile)

Gene: CACNA1S (calcium voltage-gated channel subunit alpha1 S; minus strand). Cytogenetic location: 1q32.1.
Variant type: single nucleotide variant.
Coding change: c.764C>T on transcript NM_000069.3 (MANE Select); coding-DNA position 764, C replaced by T.
Protein change: p.Thr255Ile; replaces threonine 255 with isoleucine.
Molecular consequence: missense variant.
Genome position (GRCh38, 1-based): chr1:201,089,394, G>A on the plus strand (C>T on the coding strand, the complement: CACNA1S is on the minus strand). VCF-style: chr1-201089394-G-A. GRCh37 (hg19) VCF-style: chr1-201058522-G-A.
Other names: c.764C>T (NM_000069.2); short protein forms T255I.
Identifiers: ClinVar variation 872559 (VCV000872559.51), dbSNP rs763637720, ClinGen allele CA344136234.